The following is an entry in ClinVar:

ClinVar aggregate classification (germline): Conflicting classifications of pathogenicity. Review status: criteria provided, conflicting classifications (1 of 4 stars). 6 submissions from 6 submitters: Uncertain significance (1); Benign (1); Likely benign (4). Last evaluated 2026-09-01.

Conditions:
ATP7B-related disorder. Also called: ATP7B-related condition.
Wilson disease (WND). Also called: Wilson's disease. Identifiers: Orphanet 905, MedGen C0019202, MONDO:0010200, OMIM 277900. Disease mechanism: loss of function.

Allele frequency attached by ClinVar (database versions not stated): gnomAD exomes 0.00011 and 0.00026; 1000 Genomes Project 0.00020; ExAC 0.00033; 1000 Genomes Project 30x 0.00047; gnomAD 0.00001 and 0.00007; TOPMed 0.00002.

Submissions (6):

PreventionGenetics, part of Exact Sciences
Classification: Likely benign for ATP7B-related condition. Last evaluated: 2026-09-01. Review status: criteria provided, single submitter. Criteria: ACMG Guidelines, 2015. Collection method: clinical testing. Allele origin: germline.
Comment: This variant is classified as likely benign based on ACMG/AMP sequence variant interpretation guidelines (Richards et al. 2015 PMID: 25741868, with internal and published modifications).

Labcorp Genetics (formerly Invitae), Labcorp
Classification: Benign for Wilson disease. Last evaluated: 2026-01-28. Review status: criteria provided, single submitter. Criteria: Invitae Variant Classification Sherloc (09022015). Collection method: clinical testing. Allele origin: germline.

All of Us Research Program, National Institutes of Health
Classification: Likely benign for Wilson disease. Last evaluated: 2024-02-05. Review status: criteria provided, single submitter. Criteria: ACMG Guidelines, 2015. Collection method: clinical testing. Allele origin: germline. Inheritance: Autosomal recessive inheritance. Observed: 5 variant alleles, 5 heterozygotes.
Comment: This study involves interpretation of variants in research participants for the purpose of population health screening. Participant phenotype was not available at the time of variant classification. Additional details can be found in publication PMID: 35346344, PMCID: PMC8962531

Color Diagnostics, LLC DBA Color Health
Classification: Likely benign for Wilson disease. Last evaluated: 2022-08-05. Review status: criteria provided, single submitter. Criteria: ACMG Guidelines, 2015. Collection method: clinical testing. Allele origin: germline.

Genome-Nilou Lab
Classification: Likely benign for Wilson disease. Last evaluated: 2021-08-10. Review status: criteria provided, single submitter. Criteria: ACMG Guidelines, 2015. Collection method: clinical testing. Allele origin: germline. Affected: no.

Illumina Laboratory Services, Illumina
Classification: Uncertain significance for Wilson disease. Last evaluated: 2017-04-27. Review status: criteria provided, single submitter. Criteria: ICSL Variant Classification Criteria 13 December 2019. Collection method: clinical testing. Allele origin: germline.

NM_000053.4(ATP7B):c.3151C>T (p.Leu1051=)

Gene: ATP7B (ATPase copper transporting beta; minus strand). Cytogenetic location: 13q14.3.
Variant type: single nucleotide variant.
Coding change: c.3151C>T on transcript NM_000053.4 (MANE Select); coding-DNA position 3151, C replaced by T.
Protein change: p.Leu1051=; no amino-acid change (leucine 1051 retained).
Molecular consequence: synonymous variant.
Genome position (GRCh38, 1-based): chr13:51,944,201, G>A on the plus strand (C>T on the coding strand, the complement: ATP7B is on the minus strand). VCF-style: chr13-51944201-G-A. GRCh37 (hg19) VCF-style: chr13-52518337-G-A.
Other names: c.2530C>T, p.Leu844= (NM_001005918.3); c.2818C>T, p.Leu940= (NM_001243182.2); c.2917C>T, p.Leu973= (NM_001330578.2); c.2899C>T, p.Leu967= (NM_001330579.2).
Identifiers: ClinVar variation 881369 (VCV000881369.17), dbSNP rs534622837, ClinGen allele CA6988794.